The following is an entry in ClinVar:

ClinVar aggregate classification (germline): Uncertain significance. Review status: criteria provided, single submitter (1 of 4 stars). 2 submissions from 2 submitters: Uncertain significance (1). 1 of the submissions does not count toward it. Last evaluated 2025-01-09.

Conditions:
TRIO-related disorder. Also called: TRIO-related condition; TRIO-related disorders.

gnomAD v4.1: 2 of 1,614,252 alleles (0.00012%); highest among the groups gnomAD compares: Non-Finnish European, 0.00017%; no homozygotes.

Submissions (2):

Revvity Omics, Revvity
Classification: Uncertain significance. Last evaluated: 2025-01-09. Review status: criteria provided, single submitter. Criteria: ACMG Guidelines, 2015. Collection method: clinical testing. Allele origin: germline.

PreventionGenetics, part of Exact Sciences
Classification: Uncertain significance for TRIO-related condition. Last evaluated: 2024-07-31. Review status: no assertion criteria provided. Collection method: clinical testing. Allele origin: germline. Not counted in ClinVar's aggregate classification.
Comment: The TRIO c.3695C>T variant is predicted to result in the amino acid substitution p.Ser1232Phe. This variant has been reported in a cohort study with neurodevelopmental disorder (Table S5, Wang et al. 2020. PubMed ID: 33004838). This variant has not been reported in a large population database, indicating this variant is rare. At this time, the clinical significance of this variant is uncertain due to the absence of conclusive functional and genetic evidence.

NM_007118.4(TRIO):c.3695C>T (p.Ser1232Phe)

Gene: TRIO (trio Rho guanine nucleotide exchange factor; plus strand). Cytogenetic location: 5p15.2.
Variant type: single nucleotide variant.
Coding change: c.3695C>T on transcript NM_007118.4 (MANE Select); coding-DNA position 3695, C replaced by T.
Protein change: p.Ser1232Phe; replaces serine 1232 with phenylalanine.
Molecular consequence: missense variant. On other transcripts: non-coding transcript variant (1).
Genome position (GRCh38, 1-based): chr5:14,387,562, C>T. VCF-style: chr5-14387562-C-T. GRCh37 (hg19) VCF-style: chr5-14387671-C-T.
Other names: short protein forms S1232F.
Identifiers: ClinVar variation 3344638 (VCV003344638.2).